The following is an entry in ClinVar:

NM_001384474.1(LOXHD1):c.5902_5903del (p.Ser1968fs)

Gene: LOXHD1 (lipoxygenase homology PLAT domains 1; minus strand). Cytogenetic location: 18q21.1.
Variant type: Deletion.
Coding change: c.5902_5903del on transcript NM_001384474.1 (MANE Select); coding-DNA positions 5902 to 5903, 2 bases deleted (AG; older notation c.5902_5903delAG).
Protein change: p.Ser1968fs; shifts the reading frame from serine 1968.
Molecular consequence: frameshift variant.
Genome position (GRCh38, 1-based): chr18:46,489,118-46,489,119, CT deleted on the plus strand (AG on the coding strand, the reverse complement: LOXHD1 is on the minus strand); deleting any 2 consecutive bases within chr18:46,489,118-46,489,120 gives the same sequence; the c. name uses the placement nearest the transcript's 3' end. VCF-style (leftmost placement, unchanged base first): chr18-46489117-GCT-G. GRCh37 (hg19) VCF-style: chr18-44069080-GCT-G.
Other names: c.2569_2570del, p.Ser857fs (NM_001145472.3); c.619_620del, p.Ser207fs (NM_001145473.3, NM_001173129.2); c.2281_2282del, p.Ser761fs (NM_001308013.2); c.5716_5717del, p.Ser1906fs (NM_144612.7); short protein forms S1906fs, S1968fs, S207fs, S761fs, S857fs.
Identifiers: ClinVar variation 5014383 (VCV005014383.1).
Genomic context (GRCh38, chr18:46,489,117, plus strand): 5'-CCAGCAGTCACACTGGAAGTGGAAGGTCTCGTCGCGGGAGTTGTCCTTCACATCGACATA[GCT>G]CAGATGCCAGCCAGGAAATATCCCTGTGGAAAAGACACCATGGGGGTTGGAAGCTGGATG-3'

ClinVar aggregate classification (germline): Pathogenic (1 of 4 stars; one submission).

Conditions:
Autosomal recessive nonsyndromic hearing loss 77. Identifiers: Orphanet 90636, MedGen C2746083, MONDO:0013119, OMIM 613079.

Submission:

Myriad Genetics, Inc.
Classification: Pathogenic for Autosomal recessive nonsyndromic hearing loss 77. Last evaluated: 2024-05-14. Review status: criteria provided, single submitter. Criteria: Myriad Autosomal Dominant, Autosomal Recessive and X-Linked Classification Criteria (2023). Collection method: clinical testing. Allele origin: unknown.
Comment: NM_144612.6(LOXHD1):c.5716_5717delAG(S1906Lfs*18) is expected to be pathogenic in the context of nonsyndromic hearing loss, LOXHD1-related. This variant is predicted to lead to an abnormal or absent protein product due to the creation of a premature termination codon in LOXHD1, a gene where loss-of-function variants are known to be pathogenic. Please note: this variant was assessed in the context of healthy population screening.